The following is an entry in ClinVar:

NM_000388.4(CASR):c.547_548del (p.Phe183fs)

Gene: CASR (calcium sensing receptor; plus strand). Cytogenetic location: 3q21.1.
Variant type: Deletion.
Coding change: c.547_548del on transcript NM_000388.4 (MANE Select); coding-DNA positions 547 to 548, 2 bases deleted (TT; older notation c.547_548delTT).
Protein change: p.Phe183fs; shifts the reading frame from phenylalanine 183.
Molecular consequence: frameshift variant.
Genome position (GRCh38, 1-based): chr3:122,261,582-122,261,583, TT deleted; deleting any 2 consecutive bases within chr3:122,261,581-122,261,583 gives the same sequence; the c. name uses the placement nearest the transcript's 3' end. VCF-style (leftmost placement, unchanged base first): chr3-122261580-CTT-C. GRCh37 (hg19) VCF-style: chr3-121980427-CTT-C.
Other names: p.Phe183Profs*7; c.547_548del, p.Phe183fs (NM_001178065.2); short protein forms F183fs.
Identifiers: ClinVar variation 1075778 (VCV001075778.8), dbSNP rs2107631801, ClinGen allele CA2499216406.

ClinVar aggregate classification (germline): Pathogenic. Review status: criteria provided, multiple submitters, no conflicts (2 of 4 stars). 2 submissions from 2 submitters: Pathogenic (2). Last evaluated 2025-05-19.

Conditions:
Familial hypocalciuric hypercalcemia (FHH). Also called: Familial benign hypercalcemia. Identifiers: Orphanet 405, MedGen C1809471, MONDO:0018458.
Autosomal dominant hypocalcemia 1 (HYPOC1). Also called: HYPOCALCEMIA, FAMILIAL. Identifiers: MedGen C3715128, MONDO:0011013, OMIM 601198.
Familial hypocalciuric hypercalcemia 1. Also called: Hypercalcemia, familial benign type 1. Identifiers: Orphanet 405, Orphanet 93372, MedGen C0342637, MONDO:0007791, OMIM 145980.

Submissions (2):

Labcorp Genetics (formerly Invitae), Labcorp
Classification: Pathogenic for Familial hypocalciuric hypercalcemia; Autosomal dominant hypocalcemia 1. Last evaluated: 2025-05-19. Review status: criteria provided, single submitter. Criteria: Invitae Variant Classification Sherloc (09022015). Collection method: clinical testing. Allele origin: germline.
Comment: This sequence change creates a premature translational stop signal (p.Phe183Profs*7) in the CASR gene. It is expected to result in an absent or disrupted protein product. Loss-of-function variants in CASR are known to be pathogenic (PMID: 11807402, 14985373, 22422767). This variant is not present in population databases (gnomAD no frequency). This variant has not been reported in the literature in individuals affected with CASR-related conditions. ClinVar contains an entry for this variant (Variation ID: 1075778). For these reasons, this variant has been classified as Pathogenic.

Molecular Diagnostics Laboratory, M Health Fairview: University of Minnesota
Classification: Pathogenic for Familial hypocalciuric hypercalcemia 1. Last evaluated: 2025-04-11. Review status: criteria provided, single submitter. Criteria: ACMG Guidelines, 2015. Collection method: clinical testing. Allele origin: germline. Affected: yes.

Literature cited by the submitters: PubMed 11807402 (cited by Labcorp Genetics (formerly Invitae), Labcorp); PubMed 14985373 (cited by Labcorp Genetics (formerly Invitae), Labcorp); PubMed 22422767 (cited by Labcorp Genetics (formerly Invitae), Labcorp).